The following is an entry in ClinVar:

ClinVar aggregate classification (germline): Uncertain significance (0 of 4 stars; one submission).

Conditions:
Atrial septal defect 4 (ASD4). Identifiers: Orphanet 1478, MedGen C1969657, MONDO:0012654, OMIM 611363.

Submission:

Laboratory of Genomics, Instituto Nacional de Cardiología Ignacio Chávez
Classification: Uncertain significance for Atrial septal defect 4. Review status: no assertion criteria provided. Collection method: not provided. Allele origin: unknown.
ClinVar note: Converted during submission from unknown to Uncertain significance.

NM_001077653.2(TBX20):c.1189C>T (p.Leu397=)

Gene: TBX20 (T-box transcription factor 20; minus strand). Cytogenetic location: 7p14.2.
Variant type: single nucleotide variant.
Coding change: c.1189C>T on transcript NM_001077653.2 (MANE Select); coding-DNA position 1189, C replaced by T.
Protein change: p.Leu397=; no amino-acid change (leucine 397 retained).
Molecular consequence: synonymous variant.
Genome position (GRCh38, 1-based): chr7:35,202,585, G>A on the plus strand (C>T on the coding strand, the complement: TBX20 is on the minus strand). VCF-style: chr7-35202585-G-A. GRCh37 (hg19) VCF-style: chr7-35242197-G-A.
Other names: c.1189C>T, p.Leu397= (LRG_755t1).
Identifiers: ClinVar variation 132826 (VCV000132826.2), dbSNP rs483353003, ClinGen allele CA156241.
Genomic context (GRCh38, chr7:35,202,585, plus strand): 5'-GGAATGAAGGGAATGTGGGGCCACTCCCTTGCATGGAGCTGGCAATGGCCGATGGTGTCA[G>A]AGGCATTCCCAGTCGGCTATATGGTGGCAGAGAACCCTGGATGGGGTGAGGAATGGGTGT-3'
Protein context (NP_001071121.1, residues 387-407): LPPYSRLGMP[Leu397=]TPSAIASSMQ